The following is an entry in ClinVar:

NM_177438.3(DICER1):c.2760del (p.Phe920fs)

Gene: DICER1 (dicer 1, ribonuclease III; minus strand). Cytogenetic location: 14q32.13.
Variant type: Deletion.
Coding change: c.2760del on transcript NM_177438.3 (MANE Select); coding-DNA position 2760, one base deleted (T; older notation c.2760delT).
Protein change: p.Phe920fs; shifts the reading frame from phenylalanine 920.
Molecular consequence: frameshift variant. On other transcripts: non-coding transcript variant (6).
Genome position (GRCh38, 1-based): chr14:95,107,652, A deleted on the plus strand (T on the coding strand, the reverse complement: DICER1 is on the minus strand); the first of 3 consecutive A bases (chr14:95,107,652-95,107,654); deleting any one gives the same sequence. VCF-style (leftmost placement, unchanged base first): chr14-95107651-CA-C. GRCh37 (hg19) VCF-style: chr14-95573988-CA-C.
Other names: c.2760del, p.Phe920fs (NM_001195573.1, NM_001271282.3, NM_001291628.2 and 12 more transcripts); c.2758delT, p.Phe920Leufs (NM_001395681.1); c.2478del, p.Phe826fs (NM_001395686.1); c.2355del, p.Phe785fs (NM_001395687.1, NM_001395688.1, NM_001395689.1 and 2 more transcripts); c.2193del, p.Phe731fs (NM_001395691.1); c.1077del, p.Phe359fs (NM_001395697.1); short protein forms F359fs, F731fs, F785fs, F920fs, F826fs.
Identifiers: ClinVar variation 2044644 (VCV002044644.4), dbSNP rs2542829152, ClinGen allele CA2580089057.

ClinVar aggregate classification (germline): Pathogenic (1 of 4 stars; one submission).

Conditions:
DICER1-related tumor predisposition. Also called: DICER1-related pleuropulmonary blastoma cancer predisposition syndrome; DICER1 syndrome. Identifiers: Orphanet 284343, MedGen C3839822, MONDO:0100216.

Submission:

Labcorp Genetics (formerly Invitae), Labcorp
Classification: Pathogenic for DICER1-related tumor predisposition. Last evaluated: 2022-02-09. Review status: criteria provided, single submitter. Criteria: Invitae Variant Classification Sherloc (09022015). Collection method: clinical testing. Allele origin: germline.
Comment: For these reasons, this variant has been classified as Pathogenic. This variant has not been reported in the literature in individuals affected with DICER1-related conditions. This variant is not present in population databases (gnomAD no frequency). This sequence change creates a premature translational stop signal (p.Phe920Leufs*5) in the DICER1 gene. It is expected to result in an absent or disrupted protein product. Loss-of-function variants in DICER1 are known to be pathogenic (PMID: 19556464, 21266384).

Literature cited by the submitters: PubMed 19556464; PubMed 21266384.